The following is an entry in ClinVar:

NM_001018005.2(TPM1):c.457C>G (p.His153Asp)

Gene: TPM1 (tropomyosin 1; plus strand). Cytogenetic location: 15q22.2.
Variant type: single nucleotide variant.
Coding change: c.457C>G on transcript NM_001018005.2 (MANE Select); coding-DNA position 457, C replaced by G.
Protein change: p.His153Asp; replaces histidine 153 with aspartic acid.
Molecular consequence: missense variant.
Genome position (GRCh38, 1-based): chr15:63,059,645, C>G. VCF-style: chr15-63059645-C-G. GRCh37 (hg19) VCF-style: chr15-63351844-C-G.
Other names: c.457C>G, p.His153Asp (NM_000366.6, NM_001018004.2, NM_001018006.2 and 6 more transcripts); c.349C>G, p.His117Asp (NM_001018008.2, NM_001301289.2, NM_001330344.2 and 5 more transcripts); c.583C>G, p.His195Asp (NM_001365778.1); short protein forms H153D, H195D, H117D.
Identifiers: ClinVar variation 43419 (VCV000043419.15), dbSNP rs397516372, ClinGen allele CA018046.

ClinVar aggregate classification (germline): Conflicting classifications of pathogenicity. Review status: criteria provided, conflicting classifications (1 of 4 stars). 2 submissions from 2 submitters: Likely pathogenic (1); Uncertain significance (1). Last evaluated 2025-07-02.

Conditions:
Hypertrophic cardiomyopathy. Also called: HYPERTROPHIC MYOCARDIOPATHY. Identifiers: Orphanet 217569, MedGen C0007194, MeSH D002312, MONDO:0005045, HP:0001639.

Allele frequency attached by ClinVar (database versions not stated): TOPMed below 0.00001.

Submissions (2):

Labcorp Genetics (formerly Invitae), Labcorp
Classification: Uncertain significance for Hypertrophic cardiomyopathy. Last evaluated: 2025-07-02. Review status: criteria provided, single submitter. Criteria: Invitae Variant Classification Sherloc (09022015). Collection method: clinical testing. Allele origin: germline.
Comment: This sequence change replaces histidine, which is basic and polar, with aspartic acid, which is acidic and polar, at codon 153 of the TPM1 protein (p.His153Asp). This variant is not present in population databases (gnomAD no frequency). This missense change has been observed in individual(s) with hypertrophic cardiomyopathy (PMID: 27532257, 37652022). ClinVar contains an entry for this variant (Variation ID: 43419). An algorithm developed to predict the effect of missense changes on protein structure and function (PolyPhen-2) suggests that this variant is likely to be disruptive. In summary, the available evidence is currently insufficient to determine the role of this variant in disease. Therefore, it has been classified as a Variant of Uncertain Significance.

Laboratory for Molecular Medicine, Mass General Brigham Personalized Medicine
Classification: Likely pathogenic for Hypertrophic cardiomyopathy. Last evaluated: 2014-01-16. Review status: criteria provided, single submitter. Criteria: LMM Criteria. Collection method: clinical testing. Allele origin: germline. Inheritance: Autosomal dominant inheritance. Observed: 4 variant alleles.
Comment: It w as not identified in large population studies. Histidine (His) at position 153 i s highly conserved in mammals and across evolutionarily distant species and the change to aspartic acid (Asp) was predicted to be pathogenic using a computation al tool clinically validated by our laboratory. This tool's pathogenic predictio n is estimated to be correct 94% of the time (Jordan 2011). In summary, this var iant is likely pathogenic, though additional studies are required to fully estab lish its clinical significance.

Literature cited by the submitters: PubMed 27532257 (cited by Labcorp Genetics (formerly Invitae), Labcorp); PubMed 37652022 (cited by Labcorp Genetics (formerly Invitae), Labcorp).